The following is an entry in ClinVar:

NM_001376.5(DYNC1H1):c.6272G>C (p.Arg2091Pro)

Gene: DYNC1H1 (dynein cytoplasmic 1 heavy chain 1; plus strand). Cytogenetic location: 14q32.31.
Variant type: single nucleotide variant.
Coding change: c.6272G>C on transcript NM_001376.5 (MANE Select); coding-DNA position 6272, G replaced by C.
Protein change: p.Arg2091Pro; replaces arginine 2091 with proline.
Molecular consequence: missense variant.
Genome position (GRCh38, 1-based): chr14:102,010,326, G>C. VCF-style: chr14-102010326-G-C. GRCh37 (hg19) VCF-style: chr14-102476663-G-C.
Other names: short protein forms R2091P.
Identifiers: ClinVar variation 2129551 (VCV002129551.4), dbSNP rs1387399556, ClinGen allele CA391054219.

ClinVar aggregate classification (germline): Uncertain significance (1 of 4 stars; one submission).

Conditions:
Charcot-Marie-Tooth disease axonal type 2O. Also called: CHARCOT-MARIE-TOOTH NEUROPATHY, AXONAL, TYPE 2O; CHARCOT-MARIE-TOOTH DISEASE, AXONAL, AUTOSOMAL DOMINANT, TYPE 2O; Charcot-Marie-Tooth disease, axonal, type 20; Charcot-Marie-Tooth Neuropathy Type 2O. Identifiers: Orphanet 284232, MedGen C3280220, MONDO:0013644, OMIM 614228.

Submission:

Labcorp Genetics (formerly Invitae), Labcorp
Classification: Uncertain significance for Charcot-Marie-Tooth disease axonal type 2O. Last evaluated: 2022-05-04. Review status: criteria provided, single submitter. Criteria: Invitae Variant Classification Sherloc (09022015). Collection method: clinical testing. Allele origin: germline.
Comment: In summary, the available evidence is currently insufficient to determine the role of this variant in disease. Therefore, it has been classified as a Variant of Uncertain Significance. Advanced modeling of protein sequence and biophysical properties (such as structural, functional, and spatial information, amino acid conservation, physicochemical variation, residue mobility, and thermodynamic stability) performed at Invitae indicates that this missense variant is expected to disrupt DYNC1H1 protein function. This variant has not been reported in the literature in individuals affected with DYNC1H1-related conditions. This variant is not present in population databases (gnomAD no frequency). This sequence change replaces arginine, which is basic and polar, with proline, which is neutral and non-polar, at codon 2091 of the DYNC1H1 protein (p.Arg2091Pro).